The following is an entry in ClinVar:

ClinVar aggregate classification (germline): Likely benign (0 of 4 stars; one submission).

Conditions:
DLX4-related disorder. Also called: DLX4-related condition.

Allele frequency attached by ClinVar (database versions not stated): 1000 Genomes Project 30x 0.00016; 1000 Genomes Project 0.00020; gnomAD 0.00103; ESP Exome Variant Server 0.00123; TOPMed 0.00133.

Submission:

PreventionGenetics, part of Exact Sciences
Classification: Likely benign for DLX4-related condition. Last evaluated: 2023-12-04. Review status: no assertion criteria provided. Collection method: clinical testing. Allele origin: germline.
Comment: This variant is classified as likely benign based on ACMG/AMP sequence variant interpretation guidelines (Richards et al. 2015 PMID: 25741868, with internal and published modifications).

NM_138281.3(DLX4):c.462C>A (p.Leu154=)

Gene: DLX4 (distal-less homeobox 4; plus strand). Cytogenetic location: 17q21.33.
Variant type: single nucleotide variant.
Coding change: c.462C>A on transcript NM_138281.3 (MANE Select); coding-DNA position 462, C replaced by A.
Protein change: p.Leu154=; no amino-acid change (leucine 154 retained).
Molecular consequence: synonymous variant.
Genome position (GRCh38, 1-based): chr17:49,973,251, C>A. VCF-style: chr17-49973251-C-A. GRCh37 (hg19) VCF-style: chr17-48050615-C-A.
Other names: c.246C>A, p.Leu82= (NM_001934.4).
Identifiers: ClinVar variation 3046395 (VCV003046395.2), dbSNP rs150742579, ClinGen allele CA8640820.